The following is an entry in ClinVar:

ClinVar aggregate classification (germline): Conflicting classifications of pathogenicity. Review status: criteria provided, conflicting classifications (1 of 4 stars). 2 submissions from 2 submitters: Uncertain significance (1); Likely benign (1). Last evaluated 2025-01-19.

Conditions:
Neurodegeneration with brain iron accumulation 5 (NBIA5). Also called: STATIC ENCEPHALOPATHY OF CHILDHOOD WITH NEURODEGENERATION IN ADULTHOOD; Beta-propeller protein-associated neurodegeneration. Identifiers: Orphanet 329284, MedGen C3550973, MONDO:0010476, OMIM 300894.

Allele frequency attached by ClinVar (database versions not stated): gnomAD exomes below 0.00001 and 0.00003; TOPMed 0.00002; gnomAD 0.00003 and 0.00004; 1000 Genomes Project 0.00026; 1000 Genomes Project 30x 0.00042.
gnomAD v4.1: 9 of 1,209,919 alleles (0.00074%); highest among the groups gnomAD compares: Admixed American, 0.017%; no homozygotes.

Submissions (2):

Mayo Clinic Laboratories, Mayo Clinic
Classification: Uncertain significance. Last evaluated: 2025-01-19. Review status: criteria provided, single submitter. Criteria: ACMG Guidelines, 2015. Collection method: clinical testing. Allele origin: germline. Observed: 1 variant allele.
Comment: BS2

Labcorp Genetics (formerly Invitae), Labcorp
Classification: Likely benign for Neurodegeneration with brain iron accumulation 5. Last evaluated: 2024-02-23. Review status: criteria provided, single submitter. Criteria: Invitae Variant Classification Sherloc (09022015). Collection method: clinical testing. Allele origin: germline.

NM_001029896.2(WDR45):c.962A>G (p.Asn321Ser)

Gene: WDR45 (WD repeat domain 45; minus strand). Cytogenetic location: Xp11.23.
Variant type: single nucleotide variant.
Coding change: c.962A>G on transcript NM_001029896.2 (MANE Select); coding-DNA position 962, A replaced by G.
Protein change: p.Asn321Ser; replaces asparagine 321 with serine.
Molecular consequence: missense variant.
Genome position (GRCh38, 1-based): chrX:49,075,147, T>C on the plus strand (A>G on the coding strand, the complement: WDR45 is on the minus strand). VCF-style: chrX-49075147-T-C. GRCh37 (hg19) VCF-style: chrX-48932806-T-C.
Other names: p.Asn322Ser; c.965A>G, p.Asn322Ser (NM_007075.4); c.965A>G (NM_007075.3); short protein forms N321S, N322S.
Identifiers: ClinVar variation 1578177 (VCV001578177.9), dbSNP rs187601452, ClinGen allele CA329136959.
Genomic context (GRCh38, chrX:49,075,147, plus strand): 5'-GGCCTTTGCCCCATGCAGTACCCCCAACCAAGGGGCTGTTCCCACTCACCAATGACAGAG[T>C]TGACGTTCTTGGAAGTATTGCGACCGAAGGCGCAGATGCAAGCTGACTCAGCAGGCACAG-3'
Protein context (NP_001025067.1, residues 311-331): AFGRNTSKNV[Asn321Ser]SVIAICVDGT